The following is an entry in ClinVar:

ClinVar aggregate classification (germline): Conflicting classifications of pathogenicity. Review status: criteria provided, conflicting classifications (1 of 4 stars). 3 submissions from 3 submitters: Uncertain significance (2); Likely benign (1). Last evaluated 2025-01-23.

Conditions:
Inborn genetic diseases. Identifiers: MedGen C0950123, MeSH D030342.

Submissions (3):

Ambry Genetics
Classification: Likely benign for Inborn genetic diseases. Last evaluated: 2025-01-23. Review status: criteria provided, single submitter. Criteria: Ambry Variant Classification Scheme 2023. Collection method: clinical testing. Allele origin: germline.

Labcorp Genetics (formerly Invitae), Labcorp
Classification: Uncertain significance. Last evaluated: 2022-10-23. Review status: criteria provided, single submitter. Criteria: Invitae Variant Classification Sherloc (09022015). Collection method: clinical testing. Allele origin: germline.
Comment: This variant is not present in population databases (gnomAD no frequency). This sequence change replaces serine, which is neutral and polar, with glycine, which is neutral and non-polar, at codon 1074 of the SAMD9 protein (p.Ser1074Gly). This variant has not been reported in the literature in individuals affected with SAMD9-related conditions. ClinVar contains an entry for this variant (Variation ID: 1389280). Advanced modeling of protein sequence and biophysical properties (such as structural, functional, and spatial information, amino acid conservation, physicochemical variation, residue mobility, and thermodynamic stability) performed at Invitae indicates that this missense variant is not expected to disrupt SAMD9 protein function. In summary, the available evidence is currently insufficient to determine the role of this variant in disease. Therefore, it has been classified as a Variant of Uncertain Significance.

GeneDx
Classification: Uncertain significance. Last evaluated: 2022-09-16. Review status: criteria provided, single submitter. Criteria: GeneDx Variant Classification Process June 2021. Collection method: clinical testing. Allele origin: germline. Affected: yes.
Comment: Not observed at significant frequency in large population cohorts (gnomAD); In silico analysis supports that this missense variant does not alter protein structure/function; Has not been previously published as pathogenic or benign to our knowledge; This variant is associated with the following publications: (PMID: 28545555)

NM_017654.4(SAMD9):c.3220A>G (p.Ser1074Gly)

Gene: SAMD9 (sterile alpha motif domain containing 9; minus strand). Cytogenetic location: 7q21.2.
Variant type: single nucleotide variant.
Coding change: c.3220A>G on transcript NM_017654.4 (MANE Select); coding-DNA position 3220, A replaced by G.
Protein change: p.Ser1074Gly; replaces serine 1074 with glycine.
Molecular consequence: missense variant.
Genome position (GRCh38, 1-based): chr7:93,102,878, T>C on the plus strand (A>G on the coding strand, the complement: SAMD9 is on the minus strand). VCF-style: chr7-93102878-T-C. GRCh37 (hg19) VCF-style: chr7-92732191-T-C.
Other names: c.3220A>G, p.Ser1074Gly (NM_001193307.2); c.3220A>G (NM_017654.3); short protein forms S1074G.
Identifiers: ClinVar variation 1389280 (VCV001389280.7), dbSNP rs2116415497, ClinGen allele CA368188512.
Genomic context (GRCh38, chr7:93,102,878, plus strand): 5'-TGTAGAAATGTCTTGCCAACGCTTGGCAAATGAATGCATTTGGGTTGAACCGATGGATAC[T>C]TTCAAGCAATACAGCTTCAACTGCTTCATTTCCTTCATCTTTATGTAATGCTTCAATAAA-3'
Protein context (NP_060124.2, residues 1064-1084): NEAVEAVLLE[Ser1074Gly]IHRFNPNAFI